The following is an entry in ClinVar:

ClinVar aggregate classification (germline): Likely pathogenic. Review status: criteria provided, single submitter (1 of 4 stars). 2 submissions from 2 submitters: Likely pathogenic (1). 1 of the submissions does not count toward it. Last evaluated 2023-10-27.

Conditions:
Primary hyperoxaluria, type II (HP2). Also called: D-GLYCERATE DEHYDROGENASE DEFICIENCY; GLYCERIC ACIDURIA; GLYOXYLATE REDUCTASE/HYDROXYPYRUVATE REDUCTASE DEFICIENCY; OXALOSIS II; Primary hyperoxaluria type 2. Identifiers: Orphanet 416, Orphanet 93599, MedGen C0268165, MONDO:0009824, OMIM 260000. Disease mechanism: loss of function.

Submissions (2):

Rare Kidney Stone Consortium and the Mayo Clinic Hyperoxaluria Center, Mayo Clinic
Classification: Likely pathogenic for Primary hyperoxaluria, type II. Last evaluated: 2023-10-27. Review status: criteria provided, single submitter. Criteria: ACMG Guidelines, 2015. Collection method: clinical testing. Allele origin: germline. Affected: yes.
Comment: ACMG:PM1 PM2 PM3 PP3

Counsyl
Classification: Uncertain significance for Primary hyperoxaluria, type II. Last evaluated: 2017-03-17. Review status: no assertion criteria provided. Collection method: clinical testing. Allele origin: unknown. Not counted in ClinVar's aggregate classification.

Literature cited by the submitters: PubMed 25644115 (cited by Rare Kidney Stone Consortium and the Mayo Clinic Hyperoxaluria Center, Mayo Clinic and Counsyl).

NM_012203.2(GRHPR):c.889G>A (p.Ala297Thr)

Gene: GRHPR (glyoxylate and hydroxypyruvate reductase; plus strand). Cytogenetic location: 9p13.2.
Variant type: single nucleotide variant.
Coding change: c.889G>A on transcript NM_012203.2 (MANE Select); coding-DNA position 889, G replaced by A.
Protein change: p.Ala297Thr; replaces alanine 297 with threonine.
Molecular consequence: missense variant.
Genome position (GRCh38, 1-based): chr9:37,436,684, G>A. VCF-style: chr9-37436684-G-A. GRCh37 (hg19) VCF-style: chr9-37436681-G-A.
Other names: short protein forms A297T.
Identifiers: ClinVar variation 551151 (VCV000551151.3), dbSNP rs200632069, ClinGen allele CA192896250.